The following is an entry in ClinVar:

ClinVar aggregate classification (germline): Uncertain significance (1 of 4 stars; one submission).

Allele frequency attached by ClinVar (database versions not stated): gnomAD 0.00001; gnomAD exomes 0.00001 and 0.00002; TOPMed 0.00001; ExAC 0.00002; 1000 Genomes Project 30x 0.00016; 1000 Genomes Project 0.00020.
gnomAD v4.1: 17 of 1,611,242 alleles (0.0011%); highest among the groups gnomAD compares: African/African-American, 0.004%; no homozygotes.

Submission:

Labcorp Genetics (formerly Invitae), Labcorp
Classification: Uncertain significance. Last evaluated: 2024-06-29. Review status: criteria provided, single submitter. Criteria: Invitae Variant Classification Sherloc (09022015). Collection method: clinical testing. Allele origin: germline.
Comment: This sequence change replaces isoleucine, which is neutral and non-polar, with threonine, which is neutral and polar, at codon 817 of the SI protein (p.Ile817Thr). This variant is present in population databases (rs551284637, gnomAD 0.004%). This variant has not been reported in the literature in individuals affected with SI-related conditions. ClinVar contains an entry for this variant (Variation ID: 1409079). Advanced modeling of protein sequence and biophysical properties (such as structural, functional, and spatial information, amino acid conservation, physicochemical variation, residue mobility, and thermodynamic stability) has been performed at Invitae for this missense variant, however the output from this modeling did not meet the statistical confidence thresholds required to predict the impact of this variant on SI protein function. In summary, the available evidence is currently insufficient to determine the role of this variant in disease. Therefore, it has been classified as a Variant of Uncertain Significance.

NM_001041.4(SI):c.2450T>C (p.Ile817Thr)

Gene: SI (sucrase-isomaltase; minus strand). Cytogenetic location: 3q26.1.
Variant type: single nucleotide variant.
Coding change: c.2450T>C on transcript NM_001041.4 (MANE Select); coding-DNA position 2450, T replaced by C.
Protein change: p.Ile817Thr; replaces isoleucine 817 with threonine.
Molecular consequence: missense variant.
Genome position (GRCh38, 1-based): chr3:165,036,454, A>G on the plus strand (T>C on the coding strand, the complement: SI is on the minus strand). VCF-style: chr3-165036454-A-G. GRCh37 (hg19) VCF-style: chr3-164754242-A-G.
Other names: short protein forms I817T.
Identifiers: ClinVar variation 1409079 (VCV001409079.6), dbSNP rs551284637, ClinGen allele CA2690673.